The following is an entry in ClinVar:

NM_001242896.3(DEPDC5):c.363+5G>T

Gene: DEPDC5 (DEP domain containing 5, GATOR1 subcomplex subunit; plus strand). Cytogenetic location: 22q12.2.
Variant type: single nucleotide variant.
Coding change: c.363+5G>T on transcript NM_001242896.3 (MANE Select); 5 bases into the intron after coding-DNA position 363, G replaced by T.
Molecular consequence: intron variant.
Genome position (GRCh38, 1-based): chr22:31,766,673, G>T. VCF-style: chr22-31766673-G-T. GRCh37 (hg19) VCF-style: chr22-32162659-G-T.
Other names: c.363+5G>T (NM_001364318.2, NM_001136029.4, NM_014662.6 and 7 more transcripts); c.279+1613G>T (NM_001369902.1, NM_001369901.1).
Identifiers: ClinVar variation 2577727 (VCV002577727.1), dbSNP rs2082845308, ClinGen allele CA2580617523.
Genomic context (GRCh38, chr22:31,766,673, plus strand): 5'-CTTTTAAGGATCAGTATATTGGCCGTGGGGATATGTGGCGACTAAAGAAAAGTTTGGTAA[G>T]ATGTGATTTTTTTTGAAAGTCTGTTACTTTTTCCATTATGTGAATAATCCCTGTTTATTA-3'

ClinVar aggregate classification (germline): Uncertain significance (1 of 4 stars; one submission).

Submission:

GeneDx
Classification: Uncertain significance. Last evaluated: 2023-02-23. Review status: criteria provided, single submitter. Criteria: GeneDx Variant Classification Process June 2021. Collection method: clinical testing. Allele origin: germline. Affected: yes.
Comment: Not observed at significant frequency in large population cohorts (gnomAD); Has not been previously published as pathogenic or benign to our knowledge; In silico analysis is inconclusive as to whether the variant alters gene splicing. In the absence of RNA/functional studies, the actual effect of this sequence change is unknown.